The following is an entry in ClinVar:

NM_018249.6(CDK5RAP2):c.373A>T (p.Ile125Phe)

Gene: CDK5RAP2 (CDK5 regulatory subunit associated protein 2; minus strand). Cytogenetic location: 9q33.2.
Variant type: single nucleotide variant.
Coding change: c.373A>T on transcript NM_018249.6 (MANE Select); coding-DNA position 373, A replaced by T.
Protein change: p.Ile125Phe; replaces isoleucine 125 with phenylalanine.
Molecular consequence: missense variant. On other transcripts: non-coding transcript variant (5).
Genome position (GRCh38, 1-based): chr9:120,545,724, T>A on the plus strand (A>T on the coding strand, the complement: CDK5RAP2 is on the minus strand). VCF-style: chr9-120545724-T-A. GRCh37 (hg19) VCF-style: chr9-123308002-T-A.
Other names: c.373A>T, p.Ile125Phe (NM_001011649.3, NM_001272039.2, NM_001410992.1 and 2 more transcripts); short protein forms I125F.
Identifiers: ClinVar variation 1912738 (VCV001912738.3), dbSNP rs749735697, ClinGen allele CA374710235.
Genomic context (GRCh38, chr9:120,545,724, plus strand): 5'-CCAACCCAGTGTGGGCGACTTGCAAGCTTTCAACGGATGATGGTACTCACGAGGCTTTGA[T>A]GAGCAGCTGCTCTCTCTCCTGGAGTTCCCGCTTCAGACTTTCTACTTCCACCTTGAGCTC-3'
Protein context (NP_060719.4, residues 115-135): RELQEREQLL[Ile125Phe]KASKAVESLA

ClinVar aggregate classification (germline): Uncertain significance (1 of 4 stars; one submission).

Allele frequency attached by ClinVar (database versions not stated): TOPMed below 0.00001.
gnomAD v4.1: 5 of 1,613,642 alleles (0.00031%); highest among the groups gnomAD compares: Admixed American, 0.0033%; no homozygotes.

Submission:

Labcorp Genetics (formerly Invitae), Labcorp
Classification: Uncertain significance. Last evaluated: 2023-12-09. Review status: criteria provided, single submitter. Criteria: Invitae Variant Classification Sherloc (09022015). Collection method: clinical testing. Allele origin: germline.
Comment: This sequence change replaces isoleucine, which is neutral and non-polar, with phenylalanine, which is neutral and non-polar, at codon 125 of the CDK5RAP2 protein (p.Ile125Phe). This variant is present in population databases (no rsID available, gnomAD 0.003%). This variant has not been reported in the literature in individuals affected with CDK5RAP2-related conditions. ClinVar contains an entry for this variant (Variation ID: 1912738). An algorithm developed to predict the effect of missense changes on protein structure and function (PolyPhen-2) suggests that this variant is likely to be disruptive. In summary, the available evidence is currently insufficient to determine the role of this variant in disease. Therefore, it has been classified as a Variant of Uncertain Significance.